The following is an entry in ClinVar:

NM_144997.7(FLCN):c.990C>T (p.Ser330=)

Gene: FLCN (folliculin; minus strand). Cytogenetic location: 17p11.2.
Variant type: single nucleotide variant.
Coding change: c.990C>T on transcript NM_144997.7 (MANE Select); coding-DNA position 990, C replaced by T.
Protein change: p.Ser330=; no amino-acid change (serine 330 retained).
Molecular consequence: synonymous variant.
Genome position (GRCh38, 1-based): chr17:17,219,091, G>A on the plus strand (C>T on the coding strand, the complement: FLCN is on the minus strand). VCF-style: chr17-17219091-G-A. GRCh37 (hg19) VCF-style: chr17-17122405-G-A.
Other names: c.990C>T (LRG_325t1); c.1044C>T, p.Ser348= (NM_001353229.2); c.990C>T, p.Ser330= (NM_001353230.2, NM_001353231.2).
Identifiers: ClinVar variation 530003 (VCV000530003.14), dbSNP rs761984486, ClinGen allele CA8416178.

ClinVar aggregate classification (germline): Benign/Likely benign. Review status: criteria provided, multiple submitters, no conflicts (2 of 4 stars). 3 submissions from 3 submitters: Benign (1); Likely benign (2). Last evaluated 2024-10-23.

Conditions:
Birt-Hogg-Dube syndrome 1 (BHD1). Also called: FIBROFOLLICULOMAS WITH TRICHODISCOMAS AND ACROCHORDONS. Identifiers: Orphanet 122, MedGen CN375946, MONDO:0800445, OMIM 135150.
Birt-Hogg-Dube syndrome. Also called: Birt Hogg Dubé syndrome. Identifiers: Orphanet 122, MedGen C0346010, MONDO:0800444.
Hereditary cancer-predisposing syndrome. Also called: Neoplastic Syndromes, Hereditary; Hereditary neoplastic syndrome; Tumor predisposition; Hereditary Cancer Syndrome. Identifiers: Orphanet 140162, MedGen C0027672, MeSH D009386, MONDO:0015356.

Allele frequency attached by ClinVar (database versions not stated): gnomAD exomes below 0.00001; ExAC 0.00001; TOPMed 0.00001.
gnomAD v4.1: 6 of 1,614,152 alleles (0.00037%); highest among the groups gnomAD compares: Non-Finnish European, 0.00051%; no homozygotes.

Submissions (3):

Myriad Genetics, Inc.
Classification: Benign for Birt-Hogg-Dube syndrome 1. Last evaluated: 2024-10-23. Review status: criteria provided, single submitter. Criteria: Myriad Autosomal Dominant, Autosomal Recessive and X-Linked Classification Criteria (2023). Collection method: clinical testing. Allele origin: unknown.
Comment: This variant is considered benign. This variant is a silent/synonymous amino acid change and it is not expected to impact splicing.

Labcorp Genetics (formerly Invitae), Labcorp
Classification: Likely benign for Birt-Hogg-Dube syndrome. Last evaluated: 2023-09-19. Review status: criteria provided, single submitter. Criteria: Invitae Variant Classification Sherloc (09022015). Collection method: clinical testing. Allele origin: germline.

Ambry Genetics
Classification: Likely benign for Hereditary cancer-predisposing syndrome. Last evaluated: 2017-02-01. Review status: criteria provided, single submitter. Criteria: Ambry Variant Classification Scheme 2023. Collection method: clinical testing. Allele origin: germline.